The following is an entry in ClinVar:

NM_020207.7(ERCC6L2):c.4546G>A (p.Glu1516Lys)

Gene: ERCC6L2 (ERCC excision repair 6 like 2; plus strand). Cytogenetic location: 9q22.32.
Variant type: single nucleotide variant.
Coding change: c.4546G>A on transcript NM_020207.7 (MANE Select); coding-DNA position 4546, G replaced by A.
Protein change: p.Glu1516Lys; replaces glutamic acid 1516 with lysine.
Molecular consequence: missense variant. On other transcripts: non-coding transcript variant (1), intron variant (2).
Genome position (GRCh38, 1-based): chr9:96,013,096, G>A. VCF-style: chr9-96013096-G-A. GRCh37 (hg19) VCF-style: chr9-98775378-G-A.
Other names: c.3674+8395G>A (NM_001375291.1, NM_001375292.1); short protein forms E1516K.
Identifiers: ClinVar variation 1913410 (VCV001913410.3), dbSNP rs1283982036, ClinGen allele CA466124276.

ClinVar aggregate classification (germline): Uncertain significance (1 of 4 stars; one submission).

Allele frequency attached by ClinVar (database versions not stated): gnomAD exomes below 0.00001; gnomAD 0.00001; TOPMed 0.00001.
gnomAD v4.1: 4 of 1,367,524 alleles (0.00029%); highest among the groups gnomAD compares: African/African-American, 0.0015%; no homozygotes.

Submission:

Labcorp Genetics (formerly Invitae), Labcorp
Classification: Uncertain significance. Last evaluated: 2022-03-26. Review status: criteria provided, single submitter. Criteria: Invitae Variant Classification Sherloc (09022015). Collection method: clinical testing. Allele origin: germline.
Comment: In summary, the available evidence is currently insufficient to determine the role of this variant in disease. Therefore, it has been classified as a Variant of Uncertain Significance. Algorithms developed to predict the effect of missense changes on protein structure and function are either unavailable or do not agree on the potential impact of this missense change (SIFT: "Tolerated"; PolyPhen-2: "Not Available"; Align-GVGD: "Class C0"). This variant has not been reported in the literature in individuals affected with ERCC6L2-related conditions. This variant is not present in population databases (gnomAD no frequency). This sequence change replaces glutamic acid, which is acidic and polar, with lysine, which is basic and polar, at codon 1527 of the ERCC6L2 protein (p.Glu1527Lys).